The following is an entry in ClinVar:

ClinVar aggregate classification (germline): Likely benign (1 of 4 stars; one submission).

Allele frequency attached by ClinVar (database versions not stated): ExAC 0.00007; gnomAD 0.00011.
gnomAD v4.1: 136 of 1,612,914 alleles (0.0084%); highest among the groups gnomAD compares: Non-Finnish European, 0.0084%; no homozygotes.

Submission:

CeGaT Center for Human Genetics Tuebingen
Classification: Likely benign. Last evaluated: 2023-04-01. Review status: criteria provided, single submitter. Criteria: CeGaT Center For Human Genetics Tuebingen Variant Classification Criteria Version 2. Collection method: clinical testing. Allele origin: germline. Affected: yes. Observed: 1 variant allele.
Comment: AHNAK2: BP4, BP7

NM_138420.4(AHNAK2):c.7863G>A (p.Pro2621=)

Gene: AHNAK2 (AHNAK nucleoprotein 2; minus strand). Cytogenetic location: 14q32.33.
Variant type: single nucleotide variant.
Coding change: c.7863G>A on transcript NM_138420.4 (MANE Select); coding-DNA position 7863, G replaced by A.
Protein change: p.Pro2621=; no amino-acid change (proline 2621 retained).
Molecular consequence: synonymous variant.
Genome position (GRCh38, 1-based): chr14:104,947,588, C>T on the plus strand (G>A on the coding strand, the complement: AHNAK2 is on the minus strand). VCF-style: chr14-104947588-C-T. GRCh37 (hg19) VCF-style: chr14-105413925-C-T.
Other names: c.7563G>A, p.Pro2521= (NM_001350929.2).
Identifiers: ClinVar variation 2644715 (VCV002644715.24), dbSNP rs200868286, ClinGen allele CA7380359.